The following is an entry in ClinVar:

NM_001367721.1(CASK):c.366G>A (p.Met122Ile)

Gene: CASK (calcium/calmodulin dependent serine protein kinase; minus strand). Cytogenetic location: Xp11.4.
Variant type: single nucleotide variant.
Coding change: c.366G>A on transcript NM_001367721.1 (MANE Select); coding-DNA position 366, G replaced by A.
Protein change: p.Met122Ile; replaces methionine 122 with isoleucine.
Molecular consequence: missense variant.
Genome position (GRCh38, 1-based): chrX:41,739,447, C>T on the plus strand (G>A on the coding strand, the complement: CASK is on the minus strand). VCF-style: chrX-41739447-C-T. GRCh37 (hg19) VCF-style: chrX-41598700-C-T.
Other names: c.366G>A, p.Met122Ile (NM_001126054.3, NM_001126055.3, NM_001410745.1 and 1 more transcripts); short protein forms M122I.
Identifiers: ClinVar variation 2730271 (VCV002730271.3), dbSNP rs2519495023, ClinGen allele CA413002926.

ClinVar aggregate classification (germline): Uncertain significance (1 of 4 stars; one submission).

Conditions:
Intellectual disability, CASK-related, X-linked. Identifiers: MedGen CN043158.

Submission:

Labcorp Genetics (formerly Invitae), Labcorp
Classification: Uncertain significance for Intellectual disability, CASK-related, X-linked. Last evaluated: 2023-05-26. Review status: criteria provided, single submitter. Criteria: Invitae Variant Classification Sherloc (09022015). Collection method: clinical testing. Allele origin: germline.
Comment: This sequence change replaces methionine, which is neutral and non-polar, with isoleucine, which is neutral and non-polar, at codon 122 of the CASK protein (p.Met122Ile). This variant is not present in population databases (gnomAD no frequency). This variant has not been reported in the literature in individuals affected with CASK-related conditions. Advanced modeling of protein sequence and biophysical properties (such as structural, functional, and spatial information, amino acid conservation, physicochemical variation, residue mobility, and thermodynamic stability) has been performed at Invitae for this missense variant, however the output from this modeling did not meet the statistical confidence thresholds required to predict the impact of this variant on CASK protein function. In summary, the available evidence is currently insufficient to determine the role of this variant in disease. Therefore, it has been classified as a Variant of Uncertain Significance.